The following is an entry in ClinVar:

NM_004168.4(SDHA):c.268G>A (p.Val90Ile)

Gene: SDHA (succinate dehydrogenase complex flavoprotein subunit A; plus strand). Cytogenetic location: 5p15.33.
Variant type: single nucleotide variant.
Coding change: c.268G>A on transcript NM_004168.4 (MANE Select); coding-DNA position 268, G replaced by A.
Protein change: p.Val90Ile; replaces valine 90 with isoleucine.
Molecular consequence: missense variant.
Genome position (GRCh38, 1-based): chr5:224,477, G>A. VCF-style: chr5-224477-G-A. GRCh37 (hg19) VCF-style: chr5-224592-G-A.
Other names: c.268G>A, p.Val90Ile (NM_001294332.2, NM_001330758.2); short protein forms V90I.
Identifiers: ClinVar variation 1372602 (VCV001372602.6), dbSNP rs2126543120, ClinGen allele CA359008608.
Genomic context (GRCh38, chr5:224,477, plus strand): 5'-GGAGGGGCAGGCTTGCGAGCTGCATTTGGCCTTTCTGAGGCAGGGTTTAATACAGCATGT[G>A]TTACCAAGCTGTTTCCTACCAGGTCACACACTGTTGCAGCACAGGTAAGAGAAAGGTGCC-3'
Protein context (NP_004159.2, residues 80-100): LSEAGFNTAC[Val90Ile]TKLFPTRSHT

ClinVar aggregate classification (germline): Uncertain significance (1 of 4 stars; one submission).

Conditions:
Mitochondrial complex II deficiency, nuclear type 1. Also called: SUCCINATE CoQ REDUCTASE DEFICIENCY. Identifiers: Orphanet 3208, MedGen C5700310, MONDO:0100294, OMIM 252011.
Pheochromocytoma/paraganglioma syndrome 5. Also called: Paragangliomas 5; SDHA-Related Hereditary Paraganglioma-Pheochromocytoma Syndrome. Identifiers: Orphanet 29072, MedGen C3279992, MONDO:0013602, OMIM 614165.

Submission:

Labcorp Genetics (formerly Invitae), Labcorp
Classification: Uncertain significance for Pheochromocytoma/paraganglioma syndrome 5; Mitochondrial complex II deficiency, nuclear type 1. Last evaluated: 2021-09-01. Review status: criteria provided, single submitter. Criteria: Invitae Variant Classification Sherloc (09022015). Collection method: clinical testing. Allele origin: germline.
Comment: This sequence change replaces valine with isoleucine at codon 90 of the SDHA protein (p.Val90Ile). The valine residue is weakly conserved and there is a small physicochemical difference between valine and isoleucine. This variant is not present in population databases (ExAC no frequency). This variant has not been reported in the literature in individuals affected with SDHA-related conditions. Advanced modeling of protein sequence and biophysical properties (such as structural, functional, and spatial information, amino acid conservation, physicochemical variation, residue mobility, and thermodynamic stability) performed at Invitae indicates that this missense variant is not expected to disrupt SDHA protein function. In summary, the available evidence is currently insufficient to determine the role of this variant in disease. Therefore, it has been classified as a Variant of Uncertain Significance.